The following is an entry in ClinVar:

NM_001792.5(CDH2):c.1964C>T (p.Thr655Ile)

Gene: CDH2 (cadherin 2; minus strand). Cytogenetic location: 18q12.1.
Variant type: single nucleotide variant.
Coding change: c.1964C>T on transcript NM_001792.5 (MANE Select); coding-DNA position 1964, C replaced by T.
Protein change: p.Thr655Ile; replaces threonine 655 with isoleucine.
Molecular consequence: missense variant.
Genome position (GRCh38, 1-based): chr18:27,985,539, G>A on the plus strand (C>T on the coding strand, the complement: CDH2 is on the minus strand). VCF-style: chr18-27985539-G-A. GRCh37 (hg19) VCF-style: chr18-25565503-G-A.
Other names: c.1871C>T, p.Thr624Ile (NM_001308176.2); short protein forms T624I, T655I.
Identifiers: ClinVar variation 1369446 (VCV001369446.8), dbSNP rs946014808, ClinGen allele CA402107174.

ClinVar aggregate classification (germline): Uncertain significance (1 of 4 stars; one submission).

gnomAD v4.1: 1 of 1,603,624 alleles (0.000062%); highest among the groups gnomAD compares: Middle Eastern, 0.017%; no homozygotes.

Submission:

Labcorp Genetics (formerly Invitae), Labcorp
Classification: Uncertain significance. Last evaluated: 2022-07-11. Review status: criteria provided, single submitter. Criteria: Invitae Variant Classification Sherloc (09022015). Collection method: clinical testing. Allele origin: germline.
Comment: This variant is not present in population databases (gnomAD no frequency). In summary, the available evidence is currently insufficient to determine the role of this variant in disease. Therefore, it has been classified as a Variant of Uncertain Significance. Algorithms developed to predict the effect of missense changes on protein structure and function are either unavailable or do not agree on the potential impact of this missense change (SIFT: "Deleterious"; PolyPhen-2: "Benign"; Align-GVGD: "Class C0"). ClinVar contains an entry for this variant (Variation ID: 1369446). This variant has not been reported in the literature in individuals affected with CDH2-related conditions. This sequence change replaces threonine, which is neutral and polar, with isoleucine, which is neutral and non-polar, at codon 655 of the CDH2 protein (p.Thr655Ile).